The following is an entry in ClinVar:

NM_207122.2(EXT2):c.1724A>G (p.His575Arg)

Gene: EXT2 (exostosin glycosyltransferase 2; plus strand). Cytogenetic location: 11p11.2.
Variant type: single nucleotide variant.
Coding change: c.1724A>G on transcript NM_207122.2 (MANE Select); coding-DNA position 1724, A replaced by G.
Protein change: p.His575Arg; replaces histidine 575 with arginine.
Molecular consequence: missense variant.
Genome position (GRCh38, 1-based): chr11:44,232,414, A>G. VCF-style: chr11-44232414-A-G. GRCh37 (hg19) VCF-style: chr11-44253964-A-G.
Other names: c.1823A>G, p.His608Arg (NM_000401.3); c.1754A>G, p.His585Arg (NM_001178083.3); c.1724A>G, p.His575Arg (NM_001389628.1, NM_001389630.1); short protein forms H575R, H585R, H608R.
Identifiers: ClinVar variation 1899770 (VCV001899770.5), dbSNP rs1434407890, ClinGen allele CA380182935.
Genomic context (GRCh38, chr11:44,232,414, plus strand): 5'-TCTGGCGGGAATTTCCTGACCGGTTGGTGGGTTACCCGGGTCGTCTGCATCTCTGGGACC[A>G]TGAGATGAATAAGTGGAAGTATGAGTCTGAGTGGACGAATGAAGTGTCCATGGTGCTCAC-3'
Protein context (NP_997005.1, residues 565-585): GYPGRLHLWD[His575Arg]EMNKWKYESE

ClinVar aggregate classification (germline): Uncertain significance (1 of 4 stars; one submission).

Conditions:
Exostoses, multiple, type 2 (EXT2). Also called: EXOSTOSES, MULTIPLE, TYPE II; Hereditary Multiple Osteochondromatosis, Type II. Identifiers: Orphanet 321, MedGen C1851413, MONDO:0007586, OMIM 133701.

Allele frequency attached by ClinVar (database versions not stated): gnomAD exomes below 0.00001; TOPMed below 0.00001.
gnomAD v4.1: 6 of 1,614,078 alleles (0.00037%); highest among the groups gnomAD compares: Non-Finnish European, 0.00025%; no homozygotes.

Submission:

Labcorp Genetics (formerly Invitae), Labcorp
Classification: Uncertain significance for Exostoses, multiple, type 2. Last evaluated: 2022-07-04. Review status: criteria provided, single submitter. Criteria: Invitae Variant Classification Sherloc (09022015). Collection method: clinical testing. Allele origin: germline.
Comment: This variant is not present in population databases (gnomAD no frequency). This variant has not been reported in the literature in individuals affected with EXT2-related conditions. Algorithms developed to predict the effect of missense changes on protein structure and function are either unavailable or do not agree on the potential impact of this missense change (SIFT: "Deleterious"; PolyPhen-2: "Benign"; Align-GVGD: "Class C0"). In summary, the available evidence is currently insufficient to determine the role of this variant in disease. Therefore, it has been classified as a Variant of Uncertain Significance. This sequence change replaces histidine, which is basic and polar, with arginine, which is basic and polar, at codon 575 of the EXT2 protein (p.His575Arg).